The following is an entry in ClinVar:

ClinVar aggregate classification (germline): Pathogenic (1 of 4 stars; one submission).

Conditions:
Mucopolysaccharidosis, MPS-IV-A (MPS4A). Also called: Mucopolysaccharidosis type IV A; Mucopolysaccharidosis Type IVA; Morquio syndrome A, mild; MORQUIO SYNDROME A; MPS IVA; mucopolysaccharidosis type 4A. Identifiers: Orphanet 309297, Orphanet 582, MedGen C0086651, MONDO:0009659, OMIM 253000.

Submission:

Laboratory of Diagnosis and Therapy of Lysosomal Disorders, University of Padova
Classification: Pathogenic for Mucopolysaccharidosis, MPS-IV-A. Last evaluated: 2021-02-01. Review status: criteria provided, single submitter. Criteria: ACMG Guidelines, 2015. Collection method: curation. Allele origin: germline. Affected: yes.
Comment: Multiexon deletion(PVS1_very strong); located in a mutational hot spot and/or critical and well-established functional domain without benign variation (PM1_moderate); absent from gnomAD v2.1.1 (PM2_moderate)

Literature cited by the submitters: PubMed 25545067; PubMed 34387910.

NC_000016.10:g.88770428_88832724del

Genes: APRT (adenine phosphoribosyltransferase; minus strand), CDT1 (chromatin licensing and DNA replication factor 1; plus strand), PIEZO1 (piezo type mechanosensitive ion channel component 1 (Er blood group); minus strand), GALNS (galactosamine (N-acetyl)-6-sulfatase; minus strand), LOC130059758 (ATAC-STARR-seq lymphoblastoid silent region 7876; plus strand) and 8 more. Cytogenetic location: 16q24.3.
Variant type: Deletion.
Identifiers: ClinVar variation 1048365 (VCV001048365.3).